The following is an entry in ClinVar:

ClinVar aggregate classification (germline): Pathogenic (1 of 4 stars; one submission).

Submission:

Labcorp Genetics (formerly Invitae), Labcorp
Classification: Pathogenic. Last evaluated: 2020-04-14. Review status: criteria provided, single submitter. Criteria: Invitae Variant Classification Sherloc (09022015). Collection method: clinical testing. Allele origin: germline.
Comment: This sequence change results in a premature translational stop signal in the TCIRG1 gene (p.Ala745Glyfs*86). While this is not anticipated to result in nonsense mediated decay, it is expected to disrupt the last 86 amino acids of the TCIRG1 protein. This variant is not present in population databases (ExAC no frequency). This variant has not been reported in the literature in individuals with TCIRG1-related conditions. This variant disrupts the C-terminus of the TCIRG1 protein. Other variant(s) that disrupt this region (p.Ala796Leufs*34) have been determined to be pathogenic (PMID: 30537558). This suggests that variants that disrupt this region of the protein are likely to be causative of disease. For these reasons, this variant has been classified as Pathogenic.

Literature cited by the submitters: PubMed 30537558.

NM_006019.4(TCIRG1):c.2233dup (p.Ala745fs)

Gene: TCIRG1 (T cell immune regulator 1, ATPase H+ transporting V0 subunit a3; plus strand). Cytogenetic location: 11q13.2.
Variant type: Duplication.
Coding change: c.2233dup on transcript NM_006019.4 (MANE Select); coding-DNA position 2233, one base duplicated (G; older notation c.2233dupG).
Protein change: p.Ala745fs; shifts the reading frame from alanine 745.
Molecular consequence: frameshift variant.
Genome position (GRCh38, 1-based): chr11:68,050,251, G duplicated. VCF-style (leftmost placement, unchanged base first): chr11-68050250-C-CG. GRCh37 (hg19) VCF-style: chr11-67817717-C-CG.
Other names: c.1339dup, p.Ala447fs (NM_001351059.2); c.1585dup, p.Ala529fs (NM_006053.4); short protein forms A447fs, A529fs, A745fs.
Identifiers: ClinVar variation 1070235 (VCV001070235.9), dbSNP rs2134465013, ClinGen allele CA2499221253.